The following is an entry in ClinVar:

NM_013436.5(NCKAP1):c.948-7C>T

Gene: NCKAP1 (NCK associated protein 1; minus strand). Cytogenetic location: 2q32.1.
Variant type: single nucleotide variant.
Coding change: c.948-7C>T on transcript NM_013436.5 (MANE Select); 7 bases into the intron before coding-DNA position 948, C replaced by T.
Molecular consequence: intron variant.
Genome position (GRCh38, 1-based): chr2:182,986,234, G>A on the plus strand (C>T on the coding strand, the complement: NCKAP1 is on the minus strand). VCF-style: chr2-182986234-G-A. GRCh37 (hg19) VCF-style: chr2-183850962-G-A.
Other names: c.966-7C>T (NM_205842.3).
Identifiers: ClinVar variation 3058616 (VCV003058616.2), dbSNP rs1431553137, ClinGen allele CA538131189.

ClinVar aggregate classification (germline): Likely benign (0 of 4 stars; one submission).

Conditions:
NCKAP1-related disorder. Also called: NCKAP1-related condition.

Allele frequency attached by ClinVar (database versions not stated): gnomAD exomes 0.00001; TOPMed 0.00001.

Submission:

PreventionGenetics, part of Exact Sciences
Classification: Likely benign for NCKAP1-related condition. Last evaluated: 2019-02-20. Review status: no assertion criteria provided. Collection method: clinical testing. Allele origin: germline.
Comment: This variant is classified as likely benign based on ACMG/AMP sequence variant interpretation guidelines (Richards et al. 2015 PMID: 25741868, with internal and published modifications).